The following is an entry in ClinVar:

ClinVar aggregate classification (germline): Conflicting classifications of pathogenicity. Review status: criteria provided, conflicting classifications (1 of 4 stars). 3 submissions from 3 submitters: Pathogenic (1); Likely pathogenic (1); Uncertain significance (1). Last evaluated 2024-07-11.

Conditions:
Familial aortopathy. Identifiers: MedGen CN078214.

gnomAD v4.1: 2 of 1,614,202 alleles (0.00012%); highest among the groups gnomAD compares: South Asian, 0.0011%; no homozygotes.

Submissions (3):

Women's Health and Genetics/Laboratory Corporation of America, LabCorp
Classification: Pathogenic for Familial aortopathy. Last evaluated: 2024-07-11. Review status: criteria provided, single submitter. Criteria: LabCorp Variant Classification Summary - May 2015. Collection method: clinical testing. Allele origin: germline.
Comment: Variant summary: SLC2A10 c.254T>C (p.Leu85Pro) results in a non-conservative amino acid change located in the Major facilitator, sugar transporter-like domain (IPR005828) of the encoded protein sequence. Five of five in-silico tools predict a damaging effect of the variant on protein function. The variant allele was found at a frequency of 4e-06 in 250972 control chromosomes. c.254T>C has been reported in the literature in multiple individuals affected with Arterial tortuosity syndrome (example: Ritelli_2014, Kocova_2018). These data indicate that the variant is very likely to be associated with disease. To our knowledge, no experimental evidence demonstrating an impact on protein function has been reported. The following publications have been ascertained in the context of this evaluation (PMID: 25373504, 30425910). ClinVar contains an entry for this variant (Variation ID: 1013454). Based on the evidence outlined above, the variant was classified as pathogenic.

GeneDx
Classification: Uncertain significance. Last evaluated: 2020-10-27. Review status: criteria provided, single submitter. Criteria: GeneDx Variant Classification Process June 2021. Collection method: clinical testing. Allele origin: germline. Affected: yes.
Comment: Not observed at a significant frequency in large population cohorts (Lek et al., 2016); In silico analysis, which includes protein predictors and evolutionary conservation, supports a deleterious effect; This variant is associated with the following publications: (PMID: 25373504, 30425910)

CeGaT Center for Human Genetics Tuebingen
Classification: Likely pathogenic. Last evaluated: 2020-07-01. Review status: criteria provided, single submitter. Criteria: CeGaT Center For Human Genetics Tuebingen Variant Classification Criteria Version 2. Collection method: clinical testing. Allele origin: germline. Affected: yes. Observed: 1 variant allele.

Literature cited by the submitters: PubMed 30425910 (cited by Women's Health and Genetics/Laboratory Corporation of America, LabCorp); PubMed 25373504 (cited by Women's Health and Genetics/Laboratory Corporation of America, LabCorp).

NM_030777.4(SLC2A10):c.254T>C (p.Leu85Pro)

Gene: SLC2A10 (solute carrier family 2 member 10; plus strand). Cytogenetic location: 20q13.12.
Variant type: single nucleotide variant.
Coding change: c.254T>C on transcript NM_030777.4 (MANE Select); coding-DNA position 254, T replaced by C.
Protein change: p.Leu85Pro; replaces leucine 85 with proline.
Molecular consequence: missense variant.
Genome position (GRCh38, 1-based): chr20:46,725,290, T>C. VCF-style: chr20-46725290-T-C. GRCh37 (hg19) VCF-style: chr20-45353929-T-C.
Other names: short protein forms L85P.
Identifiers: ClinVar variation 1013454 (VCV001013454.42), dbSNP rs754120063, ClinGen allele CA9891940.